The following is an entry in ClinVar:

ClinVar aggregate classification (germline): Likely pathogenic. Review status: criteria provided, multiple submitters, no conflicts (2 of 4 stars). 2 submissions from 2 submitters: Likely pathogenic (2). Last evaluated 2025-12-21.

Conditions:
Dilated cardiomyopathy 1G (CMD1G). Identifiers: Orphanet 154, MedGen C1858763, MONDO:0011400, OMIM 604145.
Autosomal recessive limb-girdle muscular dystrophy type 2J (LGMDR10). Also called: Limb-girdle muscular dystrophy, type 2J; MUSCULAR DYSTROPHY, LIMB-GIRDLE, AUTOSOMAL RECESSIVE 10. Identifiers: Orphanet 140922, MedGen C1837342, MONDO:0012127, OMIM 608807.

Submissions (2):

Labcorp Genetics (formerly Invitae), Labcorp
Classification: Likely pathogenic for Dilated cardiomyopathy 1G; Autosomal recessive limb-girdle muscular dystrophy type 2J. Last evaluated: 2025-12-21. Review status: criteria provided, single submitter. Criteria: Invitae Variant Classification Sherloc (09022015). Collection method: clinical testing. Allele origin: germline.
Comment: This sequence change creates a premature translational stop signal (p.Tyr22424*) in the TTN gene. While this is not anticipated to result in nonsense mediated decay, it is expected to create a truncated TTN protein. This variant is not present in population databases (gnomAD no frequency). This variant has not been reported in the literature in individuals affected with TTN-related conditions. ClinVar contains an entry for this variant (Variation ID: 429512). This variant is located in the A band of TTN (PMID: 25589632). Truncating variants in this region are significantly overrepresented in patients affected with dilated cardiomyopathy (PMID: 25589632). Truncating variants in this region have also been reported in individuals affected with autosomal recessive centronuclear myopathy (PMID: 23975875). In summary, the currently available evidence indicates that the variant is pathogenic, but additional data are needed to prove that conclusively. Therefore, this variant has been classified as Likely Pathogenic.

GeneDx
Classification: Likely pathogenic. Last evaluated: 2025-08-08. Review status: criteria provided, single submitter. Criteria: GeneDx Variant Classification Process June 2021. Collection method: clinical testing. Allele origin: germline. Affected: yes.
Comment: Nonsense variant predicted to result in protein truncation or nonsense mediated decay in a gene for which loss of function is a known mechanism of disease; Not observed at significant frequency in large population cohorts (gnomAD); Has not been previously published as pathogenic or benign to our knowledge; This variant is associated with the following publications: (PMID: 22335739, 32778822)

Literature cited by the submitters: PubMed 25589632 (cited by Labcorp Genetics (formerly Invitae), Labcorp); PubMed 23975875 (cited by Labcorp Genetics (formerly Invitae), Labcorp).

NM_001267550.2(TTN):c.67272C>A (p.Tyr22424Ter)

Genes: TTN-AS1 (TTN antisense RNA 1; plus strand), TTN (titin; minus strand). Cytogenetic location: 2q31.2.
Variant type: single nucleotide variant.
Coding change: c.67272C>A on transcript NM_001267550.2 (MANE Select); coding-DNA position 67272, C replaced by A.
Protein change: p.Tyr22424Ter; replaces tyrosine 22424 with a stop codon.
Molecular consequence: nonsense.
Genome position (GRCh38, 1-based): chr2:178,580,015, G>T on the plus strand (C>A on the coding strand, the complement: TTN is on the minus strand). VCF-style: chr2-178580015-G-T. GRCh37 (hg19) VCF-style: chr2-179444742-G-T.
Other names: c.62349C>A, p.Tyr20783Ter (NM_001256850.1); c.40077C>A, p.Tyr13359Ter (NM_003319.4); c.59568C>A, p.Tyr19856Ter (NM_133378.4); c.40452C>A, p.Tyr13484Ter (NM_133432.3); c.40653C>A, p.Tyr13551Ter (NM_133437.4); c.67272C>A (NM_001267550.1); short protein forms Y20783*, Y22424*, Y13551*, Y19856*, Y13359*, Y13484*.
Identifiers: ClinVar variation 429512 (VCV000429512.6), dbSNP rs747377194, ClinGen allele CA349424114.